The following is an entry in ClinVar:

NM_006231.4(POLE):c.176A>G (p.Lys59Arg)

Gene: POLE (DNA polymerase epsilon, catalytic subunit; minus strand). Cytogenetic location: 12q24.33.
Variant type: single nucleotide variant.
Coding change: c.176A>G on transcript NM_006231.4 (MANE Select); coding-DNA position 176, A replaced by G.
Protein change: p.Lys59Arg; replaces lysine 59 with arginine.
Molecular consequence: missense variant.
Genome position (GRCh38, 1-based): chr12:132,681,166, T>C on the plus strand (A>G on the coding strand, the complement: POLE is on the minus strand). VCF-style: chr12-132681166-T-C. GRCh37 (hg19) VCF-style: chr12-133257752-T-C.
Other names: c.176A>G (NM_006231.2); short protein forms K59R.
Identifiers: ClinVar variation 1517118 (VCV001517118.9), dbSNP rs754654107, ClinGen allele CA6894428.

ClinVar aggregate classification (germline): Uncertain significance. Review status: criteria provided, multiple submitters, no conflicts (2 of 4 stars). 2 submissions from 2 submitters: Uncertain significance (2). Last evaluated 2024-07-03.

Conditions:
Hereditary cancer-predisposing syndrome. Also called: Tumor predisposition; Neoplastic Syndromes, Hereditary; Hereditary neoplastic syndrome; Hereditary Cancer Syndrome. Identifiers: Orphanet 140162, MedGen C0027672, MeSH D009386, MONDO:0015356.

Allele frequency attached by ClinVar (database versions not stated): TOPMed below 0.00001; gnomAD 0.00001; gnomAD exomes 0.00001; ExAC 0.00002.

Submissions (2):

Ambry Genetics
Classification: Uncertain significance for Hereditary cancer-predisposing syndrome. Last evaluated: 2024-07-03. Review status: criteria provided, single submitter. Criteria: Ambry Variant Classification Scheme 2023. Collection method: clinical testing. Allele origin: germline.
Comment: The p.K59R variant (also known as c.176A>G), located in coding exon 2 of the POLE gene, results from an A to G substitution at nucleotide position 176. The lysine at codon 59 is replaced by arginine, an amino acid with highly similar properties. This amino acid position is conserved. In addition, this alteration is predicted to be tolerated by in silico analysis. Based on the available evidence, the clinical significance of this variant remains unclear.

Labcorp Genetics (formerly Invitae), Labcorp
Classification: Uncertain significance. Last evaluated: 2022-07-09. Review status: criteria provided, single submitter. Criteria: Invitae Variant Classification Sherloc (09022015). Collection method: clinical testing. Allele origin: germline.
Comment: In summary, the available evidence is currently insufficient to determine the role of this variant in disease. Therefore, it has been classified as a Variant of Uncertain Significance. Algorithms developed to predict the effect of missense changes on protein structure and function output the following: SIFT: "Tolerated"; PolyPhen-2: "Benign"; Align-GVGD: "Class C0". The arginine amino acid residue is found in multiple mammalian species, which suggests that this missense change does not adversely affect protein function. ClinVar contains an entry for this variant (Variation ID: 1517118). This variant has not been reported in the literature in individuals affected with POLE-related conditions. This variant is present in population databases (rs754654107, gnomAD 0.007%). This sequence change replaces lysine, which is basic and polar, with arginine, which is basic and polar, at codon 59 of the POLE protein (p.Lys59Arg).